The following is an entry in ClinVar:

NM_006941.4(SOX10):c.78del (p.Ser27fs)

Genes: POLR2F (RNA polymerase II, I and III subunit F; plus strand), SOX10 (SRY-box transcription factor 10; minus strand). Cytogenetic location: 22q13.1.
Variant type: Deletion.
Coding change: c.78del on transcript NM_006941.4 (MANE Select); coding-DNA position 78, one base deleted (G; older notation c.78delG).
Protein change: p.Ser27fs; shifts the reading frame from serine 27.
Molecular consequence: frameshift variant. On other transcripts: intron variant (3).
Genome position (GRCh38, 1-based): chr22:37,983,707, C deleted on the plus strand (G on the coding strand, the reverse complement: SOX10 is on the minus strand); the first of 4 consecutive C bases (chr22:37,983,707-37,983,710); deleting any one gives the same sequence. VCF-style (leftmost placement, unchanged base first): chr22-37983706-TC-T. GRCh37 (hg19) VCF-style: chr22-38379713-TC-T.
Other names: c.*38+11400del (NM_001363825.1); c.294-2444del (NM_001301130.2); c.293+16540del (NM_001301131.2); short protein forms S27fs.
Identifiers: ClinVar variation 4537447 (VCV004537447.1).
Genomic context (GRCh38, chr22:37,983,706, plus strand): 5'-CCGGGCTGGCTCGCAGGCCCGATCCGCCGCCGCCGCCGTCGGGCCCTAGCGAGGGCGCGC[TC>T]CCCGGGGACAGGCAGCGGGGCTCCTCCGAGCCCACGGGGCTCAGCTCCACCTCCGATAGG-3'

ClinVar aggregate classification (germline): Likely pathogenic (1 of 4 stars; one submission).

Conditions:
Monogenic hearing loss.

Submission:

Genetics Laboratory, Great Ormond Street Hospital NHS Foundation Trust, North Thames Genomic Laboratory Hub
Classification: Likely pathogenic for Monogenic hearing loss. Last evaluated: 2025-10-15. Review status: criteria provided, single submitter. Criteria: ACGS Best Practice Guidelines for Variant Classification in Rare Disease 2024 v1.2. Collection method: clinical testing. Allele origin: germline. Affected: yes.
Comment: PM2_moderate, PVS1_strong